The following is an entry in ClinVar:

ClinVar aggregate classification (germline): Conflicting classifications of pathogenicity. Review status: criteria provided, conflicting classifications (1 of 4 stars). 2 submissions from 2 submitters: Likely pathogenic (1); Uncertain significance (1). Last evaluated 2023-11-01.

Conditions:
Fructose-biphosphatase deficiency (FBP1D). Also called: Fructose 1,6 Bisphosphatase Deficiency; Fructose-1,6-Bisphosphatase 1 Deficiency; Fructose-1,6-Diphosphatase Deficiency. Identifiers: Orphanet 348, MedGen C0016756, MONDO:0009251, OMIM 229700.

Allele frequency attached by ClinVar (database versions not stated): gnomAD 0.00001; TOPMed 0.00001.

Submissions (2):

Blueprint Genetics
Classification: Uncertain significance. Last evaluated: 2023-11-01. Review status: criteria provided, single submitter. Criteria: ACMG Guidelines, 2015. Collection method: clinical testing. Allele origin: germline.

Laboratory of Medical Genetics, National & Kapodistrian University of Athens
Classification: Likely pathogenic for Fructose-biphosphatase deficiency. Last evaluated: 2022-04-11. Review status: criteria provided, single submitter. Criteria: ACMG Guidelines, 2015. Collection method: clinical testing. Allele origin: germline. Affected: yes.
Comment: PM2, PM3, PP3

NM_000507.4(FBP1):c.170+4A>G

Gene: FBP1 (fructose-bisphosphatase 1; minus strand). Cytogenetic location: 9q22.32.
Variant type: single nucleotide variant.
Coding change: c.170+4A>G on transcript NM_000507.4 (MANE Select); 4 bases into the intron after coding-DNA position 170, A replaced by G.
Molecular consequence: intron variant.
Genome position (GRCh38, 1-based): chr9:94,639,137, T>C on the plus strand (A>G on the coding strand, the complement: FBP1 is on the minus strand). VCF-style: chr9-94639137-T-C. GRCh37 (hg19) VCF-style: chr9-97401419-T-C.
Other names: c.170+4A>G (NM_001127628.2).
Identifiers: ClinVar variation 1708133 (VCV001708133.2), dbSNP rs1460544928, ClinGen allele CA868715405.
Genomic context (GRCh38, chr9:94,639,137, plus strand): 5'-CCCGCCGGGCAGGCTCCCCAGGCAGACAGACAGGACGGGGCCCACCGCCCAAGGCCCGAC[T>C]CACAGGTGCGCGATGCCCGCCTTGCGCACCGCCGAAGAGATGGCTTTGACTGCTGTGCAG-3'